The following is an entry in ClinVar:

ClinVar aggregate classification (germline): Uncertain significance. Review status: criteria provided, multiple submitters, no conflicts (2 of 4 stars). 4 submissions from 4 submitters: Uncertain significance (4). Last evaluated 2024-10-24.

Conditions:
Beckwith-Wiedemann syndrome (BWS). Also called: EMG SYNDROME; Exomphalos macroglossia gigantism syndrome. Identifiers: Orphanet 116, MedGen C0004903, MONDO:0007534, OMIM 130650.
Inborn genetic diseases. Identifiers: MedGen C0950123, MeSH D030342.
IMAGe syndrome. Also called: Intrauterine Growth Restriction, Metaphyseal Dysplasia, Adrenal Hypoplasia Congenita, and Genital Anomalies; Intrauterine growth retardation, metaphyseal dysplasia, adrenal hypoplasia congenita, and genital anomalies. Identifiers: Orphanet 85173, MedGen C1846009, MONDO:0013873, OMIM 614732.

Allele frequency attached by ClinVar (database versions not stated): gnomAD exomes 0.00001 and 0.00005; gnomAD 0.00002 and 0.00001; TOPMed 0.00002.

Submissions (4):

Labcorp Genetics (formerly Invitae), Labcorp
Classification: Uncertain significance for Beckwith-Wiedemann syndrome. Last evaluated: 2024-10-24. Review status: criteria provided, single submitter. Criteria: Invitae Variant Classification Sherloc (09022015). Collection method: clinical testing. Allele origin: germline.
Comment: This sequence change replaces alanine, which is neutral and non-polar, with valine, which is neutral and non-polar, at codon 17 of the CDKN1C protein (p.Ala17Val). The frequency data for this variant in the population databases is considered unreliable, as metrics indicate poor data quality at this position in the gnomAD database. This variant has not been reported in the literature in individuals affected with CDKN1C-related conditions. ClinVar contains an entry for this variant (Variation ID: 580672). Invitae Evidence Modeling of protein sequence and biophysical properties (such as structural, functional, and spatial information, amino acid conservation, physicochemical variation, residue mobility, and thermodynamic stability) indicates that this missense variant is not expected to disrupt CDKN1C protein function with a negative predictive value of 80%. In summary, the available evidence is currently insufficient to determine the role of this variant in disease. Therefore, it has been classified as a Variant of Uncertain Significance.

Baylor Genetics
Classification: Uncertain significance for Beckwith-Wiedemann syndrome. Last evaluated: 2024-02-09. Review status: criteria provided, single submitter. Criteria: ACMG Guidelines, 2015. Collection method: clinical testing. Allele origin: unknown.

Ambry Genetics
Classification: Uncertain significance for Inborn genetic diseases. Last evaluated: 2023-03-31. Review status: criteria provided, single submitter. Criteria: Ambry Variant Classification Scheme 2023. Collection method: clinical testing. Allele origin: germline.

Fulgent Genetics
Classification: Uncertain significance for Beckwith-Wiedemann syndrome; IMAGe syndrome. Last evaluated: 2021-10-26. Review status: criteria provided, single submitter. Criteria: ACMG Guidelines, 2015. Collection method: clinical testing. Allele origin: unknown.

NM_001122630.2(CDKN1C):c.17C>T (p.Ala6Val)

Gene: CDKN1C (cyclin dependent kinase inhibitor 1C; minus strand). Cytogenetic location: 11p15.4.
Variant type: single nucleotide variant.
Coding change: c.17C>T on transcript NM_001122630.2 (MANE Select); coding-DNA position 17, C replaced by T.
Protein change: p.Ala6Val; replaces alanine 6 with valine.
Molecular consequence: missense variant.
Genome position (GRCh38, 1-based): chr11:2,885,440, G>A on the plus strand (C>T on the coding strand, the complement: CDKN1C is on the minus strand). VCF-style: chr11-2885440-G-A. GRCh37 (hg19) VCF-style: chr11-2906670-G-A.
Other names: c.50C>T, p.Ala17Val (LRG_533t1, NM_000076.2, NM_001362474.2); c.17C>T, p.Ala6Val (NM_001122631.2, NM_001362475.2); short protein forms A17V, A6V.
Identifiers: ClinVar variation 580672 (VCV000580672.12), dbSNP rs1477196859, ClinGen allele CA379147934.